The following is an entry in ClinVar:

NM_004304.5(ALK):c.3992C>T (p.Pro1331Leu)

Gene: ALK (ALK receptor tyrosine kinase; minus strand). Cytogenetic location: 2p23.2.
Variant type: single nucleotide variant.
Coding change: c.3992C>T on transcript NM_004304.5 (MANE Select); coding-DNA position 3992, C replaced by T.
Protein change: p.Pro1331Leu; replaces proline 1331 with leucine.
Molecular consequence: missense variant.
Genome position (GRCh38, 1-based): chr2:29,197,623, G>A on the plus strand (C>T on the coding strand, the complement: ALK is on the minus strand). VCF-style: chr2-29197623-G-A. GRCh37 (hg19) VCF-style: chr2-29420489-G-A.
Other names: c.788C>T, p.Pro263Leu (NM_001353765.2); short protein forms P263L, P1331L.
Identifiers: ClinVar variation 937565 (VCV000937565.10), dbSNP rs370364694, ClinGen allele CA346466228.
Genomic context (GRCh38, chr2:29,197,623, plus strand): 5'-GGTGGGTCCATCCGGCCTCCACTGGTGACAAACTCCAGAACTTCCTGGTTGCTTTTGCTG[G>A]GGTATGGCATATATCCAAGAGAAAAGATTTCCCATAGCAGCACTCCAAAGGACCTGGGCA-3'
Protein context (NP_004295.2, residues 1321-1341): EIFSLGYMPY[Pro1331Leu]SKSNQEVLEF

ClinVar aggregate classification (germline): Uncertain significance (1 of 4 stars; one submission).
ClinVar aggregate classification (oncogenicity): Uncertain significance (1 of 4 stars; one submission).

Conditions:
Neuroblastoma, susceptibility to, 3. Also called: ALK-Related Neuroblastic Tumor Susceptibility. Identifiers: Orphanet 635, MedGen C2751681, MONDO:0013083, OMIM 613014.
Neoplasm. Also called: tumor; Neoplasms; Neoplasm (disease). Identifiers: MedGen C0027651, MeSH D009369, MONDO:0005070, HP:0002664.

Submissions (2):

Center for Genomic Medicine, Rigshospitalet, Copenhagen University Hospital
Classification: Uncertain significance for Neoplasm. Last evaluated: 2025-12-29. Review status: criteria provided, single submitter. Criteria: ClinGen/CGC/VICC Guidelines for Oncogenicity, 2022. Collection method: clinical testing. Allele origin: somatic. Affected: yes.

Labcorp Genetics (formerly Invitae), Labcorp
Classification: Uncertain significance for Neuroblastoma, susceptibility to, 3. Last evaluated: 2019-06-18. Review status: criteria provided, single submitter. Criteria: Invitae Variant Classification Sherloc (09022015). Collection method: clinical testing. Allele origin: germline.
Comment: This sequence change replaces proline with leucine at codon 1331 of the ALK protein (p.Pro1331Leu). The proline residue is highly conserved and there is a moderate physicochemical difference between proline and leucine. This variant is not present in population databases (ExAC no frequency). This variant has not been reported in the literature in individuals with ALK-related conditions. Algorithms developed to predict the effect of missense changes on protein structure and function are either unavailable or do not agree on the potential impact of this missense change (SIFT: "Deleterious"; PolyPhen-2: "Probably Damaging"; Align-GVGD: "Class C0"). In summary, the available evidence is currently insufficient to determine the role of this variant in disease. Therefore, it has been classified as a Variant of Uncertain Significance.